The following is an entry in ClinVar:

NM_001256071.3(RNF213):c.4683G>A (p.Thr1561=)

Gene: RNF213 (ring finger protein 213; plus strand). Cytogenetic location: 17q25.3.
Variant type: single nucleotide variant.
Coding change: c.4683G>A on transcript NM_001256071.3 (MANE Select); coding-DNA position 4683, G replaced by A.
Protein change: p.Thr1561=; no amino-acid change (threonine 1561 retained).
Molecular consequence: synonymous variant.
Genome position (GRCh38, 1-based): chr17:80,337,847, G>A. VCF-style: chr17-80337847-G-A. GRCh37 (hg19) VCF-style: chr17-78311647-G-A.
Other names: p.Thr1561=.
Identifiers: ClinVar variation 780470 (VCV000780470.10), dbSNP rs75651507, ClinGen allele CA8820288.

ClinVar aggregate classification (germline): Benign/Likely benign. Review status: criteria provided, multiple submitters, no conflicts (2 of 4 stars). 4 submissions from 4 submitters: Benign (3); Likely benign (1). Last evaluated 2026-01-15.

Allele frequency attached by ClinVar (database versions not stated): gnomAD exomes 0.00062 and 0.00118; ExAC 0.00217; gnomAD 0.00605 and 0.00647; 1000 Genomes Project 0.00659; TOPMed 0.00706; 1000 Genomes Project 30x 0.00718; ESP Exome Variant Server 0.00810.
gnomAD v4.1: 1,791 of 1,537,128 alleles (0.12%); highest among the groups gnomAD compares: African/African-American, 2.2%; 17 homozygotes.

Submissions (4):

Labcorp Genetics (formerly Invitae), Labcorp
Classification: Benign. Last evaluated: 2026-01-15. Review status: criteria provided, single submitter. Criteria: Invitae Variant Classification Sherloc (09022015). Collection method: clinical testing. Allele origin: germline.

Blueprint Genetics
Classification: Likely benign. Last evaluated: 2024-10-16. Review status: criteria provided, single submitter. Criteria: ACMG Guidelines, 2015. Collection method: clinical testing. Allele origin: germline.

Mayo Clinic Laboratories, Mayo Clinic
Classification: Benign. Last evaluated: 2024-06-11. Review status: criteria provided, single submitter. Criteria: ACMG Guidelines, 2015. Collection method: clinical testing. Allele origin: germline. Observed: 4 variant alleles.
Comment: BS1, BS2, BP4, BP7

Breakthrough Genomics
Classification: Benign. Review status: criteria provided, single submitter. Criteria: ACMG Guidelines, 2015. Collection method: not provided. Allele origin: germline. Inheritance: Autosomal dominant inheritance. Affected: yes.